The following is an entry in ClinVar:

NM_020975.6(RET):c.2414A>G (p.Glu805Gly)

Gene: RET (ret proto-oncogene; plus strand). Cytogenetic location: 10q11.21.
Variant type: single nucleotide variant.
Coding change: c.2414A>G on transcript NM_020975.6 (MANE Select); coding-DNA position 2414, A replaced by G.
Protein change: p.Glu805Gly; replaces glutamic acid 805 with glycine.
Molecular consequence: missense variant.
Genome position (GRCh38, 1-based): chr10:43,119,552, A>G. VCF-style: chr10-43119552-A-G. GRCh37 (hg19) VCF-style: chr10-43615000-A-G.
Other names: c.2414A>G, p.Glu805Gly (NM_000323.2, NM_001406743.1, NM_001406744.1 and 4 more transcripts); c.1652A>G, p.Glu551Gly (NM_001355216.2); c.2285A>G, p.Glu762Gly (NM_001406761.1, NM_001406762.1, NM_001406764.1); c.2279A>G, p.Glu760Gly (NM_001406763.1, NM_001406765.1); c.2126A>G, p.Glu709Gly (NM_001406766.1, NM_001406767.1, NM_001406770.1); c.2150A>G, p.Glu717Gly (NM_001406768.1); c.2018A>G, p.Glu673Gly (NM_001406769.1, NM_001406772.1); c.1976A>G, p.Glu659Gly (NM_001406771.1, NM_001406773.1); and 10 more; short protein forms E466G, E370G, E475G, E630G, E709G, E762G, E805G, E463G.
Identifiers: ClinVar variation 2454141 (VCV002454141.2), dbSNP rs2538561395, ClinGen allele CA376556060.

ClinVar aggregate classification (germline): Uncertain significance (1 of 4 stars; one submission).

Conditions:
Hereditary cancer-predisposing syndrome. Also called: Neoplastic Syndromes, Hereditary; Hereditary neoplastic syndrome; Tumor predisposition; Hereditary Cancer Syndrome. Identifiers: Orphanet 140162, MedGen C0027672, MeSH D009386, MONDO:0015356.

Submission:

Ambry Genetics
Classification: Uncertain significance for Hereditary cancer-predisposing syndrome. Last evaluated: 2023-02-01. Review status: criteria provided, single submitter. Criteria: Ambry Variant Classification Scheme 2023. Collection method: clinical testing. Allele origin: germline.
Comment: The p.E805G variant (also known as c.2414A>G), located in coding exon 14 of the RET gene, results from an A to G substitution at nucleotide position 2414. The glutamic acid at codon 805 is replaced by glycine, an amino acid with similar properties. This amino acid position is highly conserved in available vertebrate species. In addition, this alteration is predicted to be deleterious by in silico analysis. Since supporting evidence is limited at this time, the clinical significance of this alteration remains unclear.